The following is an entry in ClinVar:

NM_001382430.1(AKT1):c.1298C>A (p.Thr433Asn)

Gene: AKT1 (AKT serine/threonine kinase 1; minus strand). Cytogenetic location: 14q32.33.
Variant type: single nucleotide variant.
Coding change: c.1298C>A on transcript NM_001382430.1 (MANE Select); coding-DNA position 1298, C replaced by A.
Protein change: p.Thr433Asn; replaces threonine 433 with asparagine.
Molecular consequence: missense variant.
Genome position (GRCh38, 1-based): chr14:104,770,810, G>T on the plus strand (C>A on the coding strand, the complement: AKT1 is on the minus strand). VCF-style: chr14-104770810-G-T. GRCh37 (hg19) VCF-style: chr14-105237147-G-T.
Other names: c.1298C>A, p.Thr433Asn (NM_001014431.2, NM_001014432.2, NM_001382431.1 and 3 more transcripts); short protein forms T433N.
Identifiers: ClinVar variation 1769265 (VCV001769265.2), dbSNP rs2542103488, ClinGen allele CA391214651.

ClinVar aggregate classification (germline): Uncertain significance (1 of 4 stars; one submission).

Conditions:
Inborn genetic diseases. Identifiers: MedGen C0950123, MeSH D030342.

Submission:

Ambry Genetics
Classification: Uncertain significance for Inborn genetic diseases. Last evaluated: 2022-06-06. Review status: criteria provided, single submitter. Criteria: Ambry Variant Classification Scheme 2023. Collection method: clinical testing. Allele origin: germline.
Comment: The p.T433N variant (also known as c.1298C>A), located in coding exon 12 of the AKT1 gene, results from a C to A substitution at nucleotide position 1298. The threonine at codon 433 is replaced by asparagine, an amino acid with similar properties. This amino acid position is conserved. In addition, this alteration is predicted to be tolerated by in silico analysis. Since supporting evidence is limited at this time, the clinical significance of this alteration remains unclear.